The following is an entry in ClinVar:

NM_003640.5(ELP1):c.3408del (p.Lys1136fs)

Gene: ELP1 (elongator acetyltransferase complex subunit 1; minus strand). Cytogenetic location: 9q31.3.
Variant type: Deletion.
Coding change: c.3408del on transcript NM_003640.5 (MANE Select); coding-DNA position 3408, one base deleted (A; older notation c.3408delA).
Protein change: p.Lys1136fs; shifts the reading frame from lysine 1136.
Molecular consequence: frameshift variant.
Genome position (GRCh38, 1-based): chr9:108,880,104, T deleted on the plus strand (A on the coding strand, the reverse complement: ELP1 is on the minus strand); the first of 3 consecutive T bases (chr9:108,880,104-108,880,106); deleting any one gives the same sequence. VCF-style (leftmost placement, unchanged base first): chr9-108880103-GT-G. GRCh37 (hg19) VCF-style: chr9-111642383-GT-G.
Other names: c.3408delA (NM_003640.4); c.3066del, p.Lys1022fs (NM_001318360.2); c.2361del, p.Lys787fs (NM_001330749.2); short protein forms K787fs, K1022fs, K1136fs.
Identifiers: ClinVar variation 1378924 (VCV001378924.10), dbSNP rs1564072540, ClinGen allele CA466672676.
Genomic context (GRCh38, chr9:108,880,103, plus strand): 5'-GATACTCACCCAGACCTGCCTGCTGGGCTTGCTCCTTGAGCTCTCGAACTACCAATAAAC[GT>G]TTCTTGTGGCGACTGAATGTGGCTGTCTGAGAGTCCAGAAATGCCATATAATTTTTCTGG-3'

ClinVar aggregate classification (germline): Pathogenic/Likely pathogenic. Review status: criteria provided, multiple submitters, no conflicts (2 of 4 stars). 4 submissions from 4 submitters: Pathogenic (2); Likely pathogenic (2). Last evaluated 2025-09-29.

Conditions:
Medulloblastoma (MDB). Also called: MEDULLOBLASTOMA PREDISPOSITION SYNDROME; Medulloblastoma, somatic. Identifiers: Orphanet 616, MedGen C0025149, MeSH D008527, MONDO:0007959, OMIM 155255, HP:0002885.
Familial dysautonomia. Also called: FD; HSAN III. Identifiers: Orphanet 1764, MedGen C0013364, MONDO:0009131, OMIM 223900. Disease mechanism: loss of function.

Submissions (4):

Natera, Inc.
Classification: Likely pathogenic for Familial dysautonomia. Last evaluated: 2025-09-29. Review status: criteria provided, single submitter. Criteria: Natera Variant Classification Schema (03/2026). Collection method: clinical testing. Allele origin: germline.
Comment: The c.3408delA variant in ELP1 is a frameshift variant predicted to shift the reading frame beginning at codon 1136 and leads to a stop codon 5 codons downstream. This variant is expected to result in nonsense mediated decay, truncation, or a dysfunctional protein product. This variant is rare in the general population with a frequency below the threshold expected for the associated phenotype(s). Given the available evidence, this variant is classified as Likely Pathogenic.

St. Jude Molecular Pathology, St. Jude Children's Research Hospital
Classification: Pathogenic for Medulloblastoma. Last evaluated: 2025-06-17. Review status: criteria provided, single submitter. Criteria: St. Jude Assertion Criteria 2020. Collection method: clinical testing. Allele origin: germline.
Comment: The ELP1 c.3408del p.(Lys1136AsnfsTer5) change deletes one nucleotide to cause a frameshift and the creation of a premature stop codon. This change is predicted to cause protein truncation or absence of protein due to nonsense-mediated decay. This variant has a maximum subpopulation frequency of 0.0009% in gnomAD v2.1.1. In summary, this variant meets criteria to be classified as pathogenic.

Labcorp Genetics (formerly Invitae), Labcorp
Classification: Pathogenic. Last evaluated: 2025-02-07. Review status: criteria provided, single submitter. Criteria: Invitae Variant Classification Sherloc (09022015). Collection method: clinical testing. Allele origin: germline.
Comment: This sequence change creates a premature translational stop signal (p.Lys1136Asnfs*5) in the ELP1 gene. It is expected to result in an absent or disrupted protein product. Loss-of-function variants in ELP1 are known to be pathogenic (PMID: 18303054, 24173031). This variant is not present in population databases (gnomAD no frequency). This variant has not been reported in the literature in individuals affected with ELP1-related conditions. ClinVar contains an entry for this variant (Variation ID: 1378924). For these reasons, this variant has been classified as Pathogenic.

Fulgent Genetics
Classification: Likely pathogenic for Medulloblastoma; Familial dysautonomia. Last evaluated: 2024-01-12. Review status: criteria provided, single submitter. Criteria: ACMG Guidelines, 2015. Collection method: clinical testing. Allele origin: germline.

Literature cited by the submitters: PubMed 18303054 (cited by Labcorp Genetics (formerly Invitae), Labcorp); PubMed 24173031 (cited by Labcorp Genetics (formerly Invitae), Labcorp).